The following is an entry in ClinVar:

ClinVar aggregate classification (germline): Uncertain significance (1 of 4 stars; one submission).

gnomAD v4.1: 2 of 1,614,038 alleles (0.00012%); highest among the groups gnomAD compares: Non-Finnish European, 0.00017%; no homozygotes.

Submission:

Labcorp Genetics (formerly Invitae), Labcorp
Classification: Uncertain significance. Last evaluated: 2025-12-08. Review status: criteria provided, single submitter. Criteria: Invitae Variant Classification Sherloc (09022015). Collection method: clinical testing. Allele origin: germline.
Comment: This sequence change replaces serine, which is neutral and polar, with phenylalanine, which is neutral and non-polar, at codon 390 of the SHPK protein (p.Ser390Phe). This variant is present in population databases (no rsID available, gnomAD 0.01%). This variant has not been reported in the literature in individuals affected with SHPK-related conditions. An algorithm developed to predict the effect of missense changes on protein structure and function (PolyPhen-2) suggests that this variant is likely to be tolerated. In summary, the available evidence is currently insufficient to determine the role of this variant in disease. Therefore, it has been classified as a Variant of Uncertain Significance.

NM_013276.4(SHPK):c.1169C>T (p.Ser390Phe)

Gene: SHPK (sedoheptulokinase; minus strand). Cytogenetic location: 17p13.2.
Variant type: single nucleotide variant.
Coding change: c.1169C>T on transcript NM_013276.4 (MANE Select); coding-DNA position 1169, C replaced by T.
Protein change: p.Ser390Phe; replaces serine 390 with phenylalanine.
Molecular consequence: missense variant.
Genome position (GRCh38, 1-based): chr17:3,610,828, G>A on the plus strand (C>T on the coding strand, the complement: SHPK is on the minus strand). VCF-style: chr17-3610828-G-A. GRCh37 (hg19) VCF-style: chr17-3514122-G-A.
Other names: short protein forms S390F.
Identifiers: ClinVar variation 4764469 (VCV004764469.1).